The following is an entry in ClinVar:

NM_003742.4(ABCB11):c.3174del (p.Gln1058fs)

Gene: ABCB11 (ATP binding cassette subfamily B member 11; minus strand). Cytogenetic location: 2q31.1.
Variant type: Deletion.
Coding change: c.3174del on transcript NM_003742.4 (MANE Select); coding-DNA position 3174, one base deleted (A; older notation c.3174delA).
Protein change: p.Gln1058fs; shifts the reading frame from glutamine 1058.
Molecular consequence: frameshift variant.
Genome position (GRCh38, 1-based): chr2:168,932,416, T deleted on the plus strand (A on the coding strand, the reverse complement: ABCB11 is on the minus strand); the first of 2 consecutive T bases (chr2:168,932,416-168,932,417); deleting either gives the same sequence. VCF-style (leftmost placement, unchanged base first): chr2-168932415-GT-G. GRCh37 (hg19) VCF-style: chr2-169788925-GT-G.
Other names: short protein forms Q1058fs.
Identifiers: ClinVar variation 1458296 (VCV001458296.8), dbSNP rs2105891349, ClinGen allele CA2573133566.

ClinVar aggregate classification (germline): Pathogenic. Review status: criteria provided, multiple submitters, no conflicts (2 of 4 stars). 3 submissions from 3 submitters: Pathogenic (3). Last evaluated 2026-04-14.

Conditions:
Familial intrahepatic cholestasis. Identifiers: Orphanet 284385, MedGen CN296401, MONDO:0017290.
Progressive familial intrahepatic cholestasis type 2. Identifiers: Orphanet 79304, MedGen C3489789, MONDO:0011156, OMIM 601847.

Submissions (3):

Genomenon, Inc
Classification: Pathogenic for Familial intrahepatic cholestasis. Last evaluated: 2026-04-14. Review status: criteria provided, single submitter. Criteria: Genomenon Sequence Variant Interpretation Standards - Updated. Collection method: curation. Allele origin: germline. Affected: yes.
Comment: ABCB11 p.Gln1058HisfsTer39 (c.3174del) is a frameshift variant that results in the production of a truncated protein which is predicted to undergo nonsense-mediated mRNA decay. This variant has been observed in at least one proband with an ABCB11-related disorder (PMID:25847299;20232290). It is absent or not present at a significant frequency in gnomAD. In conclusion, we classify ABCB11 p.Gln1058HisfsTer39 (c.3174del) as a pathogenic variant.

Labcorp Genetics (formerly Invitae), Labcorp
Classification: Pathogenic. Last evaluated: 2022-11-01. Review status: criteria provided, single submitter. Criteria: Invitae Variant Classification Sherloc (09022015). Collection method: clinical testing. Allele origin: germline.
Comment: This sequence change creates a premature translational stop signal (p.Gln1058Hisfs*39) in the ABCB11 gene. It is expected to result in an absent or disrupted protein product. Loss-of-function variants in ABCB11 are known to be pathogenic (PMID: 18395098, 20232290). This variant is not present in population databases (gnomAD no frequency). This premature translational stop signal has been observed in individual(s) with progressive familial intrahepatic cholestasis type 2 (PMID: 20232290). ClinVar contains an entry for this variant (Variation ID: 1458296). For these reasons, this variant has been classified as Pathogenic.

Mendelics
Classification: Pathogenic for Progressive familial intrahepatic cholestasis type 2. Last evaluated: 2022-05-04. Review status: criteria provided, single submitter. Criteria: Mendelics Assertion Criteria 2019. Collection method: clinical testing. Allele origin: germline.

Literature cited by the submitters: PubMed 25847299 (cited by Genomenon, Inc); PubMed 20232290 (cited by Genomenon, Inc and Labcorp Genetics (formerly Invitae), Labcorp); PubMed 18395098 (cited by Labcorp Genetics (formerly Invitae), Labcorp).